The following is an entry in ClinVar:

Conditions:
Breast-ovarian cancer, familial, susceptibility to, 1 (BROVCA1). Also called: BRCA1 Hereditary Breast and Ovarian Cancer; OVARIAN CANCER, SUSCEPTIBILITY TO. Identifiers: Orphanet 145, MedGen C2676676, MONDO:0011450, OMIM 604370. Disease mechanism: loss of function.

Submission:

Brotman Baty Institute, University of Washington
No classification provided (evidence only). Condition: Breast-ovarian cancer, familial 1. Review status: no classification provided. Collection method: in vitro. Allele origin: not applicable. Functional consequence: function_uncertain_variant.
ClinVar note: "not provided" was previously submitted as the classification for the variant. However, the classification appeared to be based only on an observation of functional data so it was converted to no classification on 2025-07-30.

NM_007294.4(BRCA1):c.276T>G (p.Ala92=)

Gene: BRCA1 (BRCA1 DNA repair associated; minus strand). Cytogenetic location: 17q21.31.
Variant type: single nucleotide variant.
Coding change: c.276T>G on transcript NM_007294.4 (MANE Select); coding-DNA position 276, T replaced by G.
Protein change: p.Ala92=; no amino-acid change (alanine 92 retained).
Molecular consequence: synonymous variant. On other transcripts: 5 prime UTR variant (7), intron variant (2).
Genome position (GRCh38, 1-based): chr17:43,104,893, A>C on the plus strand (T>G on the coding strand, the complement: BRCA1 is on the minus strand). VCF-style: chr17-43104893-A-C. GRCh37 (hg19) VCF-style: chr17-41256910-A-C.
Other names: c.276T>G, p.Ala92= (NM_001408428.1, NM_001408429.1, NM_001408430.1 and 168 more transcripts); c.144T>G, p.Ala48= (NM_001408451.1); c.135T>G, p.Ala45= (NM_001408452.1, NM_001408453.1, NM_001408454.1 and 99 more transcripts); c.198T>G, p.Ala66= (NM_001408474.1, NM_001408475.1, NM_001408476.1 and 21 more transcripts); c.66T>G, p.Ala22= (NM_001408478.1, NM_001408479.1, NM_001408480.1 and 58 more transcripts); c.-106T>G (NM_001408510.1, NM_001408512.1, NM_001407959.1 and 4 more transcripts); c.-218-10033T>G (NM_001407967.1, NM_001407966.1).
Identifiers: ClinVar variation 868821 (VCV000868821.3), dbSNP rs2054677953, ClinGen allele CA500127511.